The following is an entry in ClinVar:

ClinVar aggregate classification (germline): Uncertain significance. Review status: criteria provided, single submitter (1 of 4 stars). 2 submissions from 2 submitters: Uncertain significance (1). 1 of the submissions does not count toward it.

Conditions:
Spermatogenic failure 4. Also called: AZOOSPERMIA WITH MATURATION ARREST; PREGNANCY LOSS 4. Identifiers: MedGen C0232981, MONDO:0010052, OMIM 270960.

Allele frequency attached by ClinVar (database versions not stated): gnomAD 0.00004; ExAC 0.00007; gnomAD exomes 0.00006 and 0.00007; TOPMed 0.00001.
gnomAD v4.1: 106 of 1,609,016 alleles (0.0066%); highest among the groups gnomAD compares: East Asian, 0.23%; no homozygotes.

Submissions (3):

Juno Genomics, Hangzhou Juno Genomics, Inc
Classification: Uncertain significance for Spermatogenic failure 4. Review status: criteria provided, single submitter. Criteria: ACMG Guidelines, 2015. Collection method: clinical testing. Allele origin: germline.
Comment: Well-established in vitro or in vivo functional studies supportive of a damaging effect on the gene or gene product.

OMIM
Classification: Pathogenic for PREGNANCY LOSS 4. Last evaluated: 2009-01-01. Review status: no assertion criteria provided. Collection method: literature only. Allele origin: germline. Not counted in ClinVar's aggregate classification.

Dr. Peter K. Rogan Lab, Western University
No classification provided (evidence only). Condition: Gastric cancer. Review status: no classification provided. Collection method: in vitro. Allele origin: not applicable. Functional consequence: retained intron. Not counted in ClinVar's aggregate classification.

Literature cited by the submitters: PubMed 19110213 (cited by OMIM).

NM_001177949.2(SYCP3):c.657T>C (p.Thr219=)

Gene: SYCP3 (synaptonemal complex protein 3; minus strand). Cytogenetic location: 12q23.2.
Variant type: single nucleotide variant.
Coding change: c.657T>C on transcript NM_001177949.2 (MANE Select); coding-DNA position 657, T replaced by C.
Protein change: p.Thr219=; no amino-acid change (threonine 219 retained).
Molecular consequence: synonymous variant.
Genome position (GRCh38, 1-based): chr12:101,729,109, A>G on the plus strand (T>C on the coding strand, the complement: SYCP3 is on the minus strand). VCF-style: chr12-101729109-A-G. GRCh37 (hg19) VCF-style: chr12-102122887-A-G.
Other names: NC_000012.11:g.102122887A>G; 657T-C; c.657T>C, p.Thr219= (NM_001177948.2, NM_153694.5).
Identifiers: ClinVar variation 5373 (VCV000005373.5), dbSNP rs769825641, ClinGen allele CA060437.